The following is an entry in ClinVar:

ClinVar aggregate classification (germline): Uncertain significance (1 of 4 stars; one submission).

Conditions:
Hereditary cancer-predisposing syndrome. Also called: Hereditary neoplastic syndrome; Neoplastic Syndromes, Hereditary; Tumor predisposition; Hereditary Cancer Syndrome. Identifiers: Orphanet 140162, MedGen C0027672, MeSH D009386, MONDO:0015356.

Submission:

Ambry Genetics
Classification: Uncertain significance for Hereditary cancer-predisposing syndrome. Last evaluated: 2025-01-19. Review status: criteria provided, single submitter. Criteria: Ambry Variant Classification Scheme 2023. Collection method: clinical testing. Allele origin: germline.
Comment: The p.K178E variant (also known as c.532A>G), located in coding exon 4 of the CTNNA1 gene, results from an A to G substitution at nucleotide position 532. The lysine at codon 178 is replaced by glutamic acid, an amino acid with similar properties. This amino acid position is conserved. In addition, the in silico prediction for this alteration is inconclusive. Based on the available evidence, the clinical significance of this variant remains unclear.

NM_001903.5(CTNNA1):c.532A>G (p.Lys178Glu)

Gene: CTNNA1 (catenin alpha 1; plus strand). Cytogenetic location: 5q31.2.
Variant type: single nucleotide variant.
Coding change: c.532A>G on transcript NM_001903.5 (MANE Select); coding-DNA position 532, A replaced by G.
Protein change: p.Lys178Glu; replaces lysine 178 with glutamic acid.
Molecular consequence: missense variant.
Genome position (GRCh38, 1-based): chr5:138,812,246, A>G. VCF-style: chr5-138812246-A-G. GRCh37 (hg19) VCF-style: chr5-138147935-A-G.
Other names: c.532A>G, p.Lys178Glu (NM_001290307.3, NM_001323982.2, NM_001323983.1 and 3 more transcripts); c.223A>G, p.Lys75Glu (NM_001290309.3); c.163A>G, p.Lys55Glu (NM_001290310.3); short protein forms K75E, K178E, K55E.
Identifiers: ClinVar variation 3837174 (VCV003837174.1).